The following is an entry in ClinVar:

ClinVar aggregate classification (germline): Uncertain significance. Review status: criteria provided, single submitter (1 of 4 stars). 2 submissions from 2 submitters: Uncertain significance (1). 1 of the submissions does not count toward it. Last evaluated 2024-08-28.

Conditions:
Fanconi anemia (FA). Also called: Fanconi's anemia. Identifiers: Orphanet 84, MedGen C0015625, MeSH D005199, MONDO:0019391.

Allele frequency attached by ClinVar (database versions not stated): gnomAD exomes below 0.00001 and 0.00001; ExAC 0.00001; gnomAD 0.00001; TOPMed 0.00001.
gnomAD v4.1: 14 of 1,613,976 alleles (0.00087%); highest among the groups gnomAD compares: African/African-American, 0.0013%; no homozygotes.

Submissions (2):

Labcorp Genetics (formerly Invitae), Labcorp
Classification: Uncertain significance for Fanconi anemia. Last evaluated: 2024-08-28. Review status: criteria provided, single submitter. Criteria: Invitae Variant Classification Sherloc (09022015). Collection method: clinical testing. Allele origin: germline.
Comment: This sequence change replaces methionine, which is neutral and non-polar, with valine, which is neutral and non-polar, at codon 717 of the FANCA protein (p.Met717Val). This variant is present in population databases (rs766173155, gnomAD 0.0009%). This variant has not been reported in the literature in individuals affected with FANCA-related conditions. ClinVar contains an entry for this variant (Variation ID: 526341). An algorithm developed to predict the effect of missense changes on protein structure and function outputs the following: PolyPhen-2: "Benign". The valine amino acid residue is found in multiple mammalian species, which suggests that this missense change does not adversely affect protein function. In summary, the available evidence is currently insufficient to determine the role of this variant in disease. Therefore, it has been classified as a Variant of Uncertain Significance.

Natera, Inc.
Classification: Uncertain significance for Fanconi anemia. Last evaluated: 2021-03-16. Review status: no assertion criteria provided. Collection method: clinical testing. Allele origin: germline. Not counted in ClinVar's aggregate classification.

NM_000135.4(FANCA):c.2149A>G (p.Met717Val)

Gene: FANCA (FA complementation group A; minus strand). Cytogenetic location: 16q24.3.
Variant type: single nucleotide variant.
Coding change: c.2149A>G on transcript NM_000135.4 (MANE Select); coding-DNA position 2149, A replaced by G.
Protein change: p.Met717Val; replaces methionine 717 with valine.
Molecular consequence: missense variant.
Genome position (GRCh38, 1-based): chr16:89,771,680, T>C on the plus strand (A>G on the coding strand, the complement: FANCA is on the minus strand). VCF-style: chr16-89771680-T-C. GRCh37 (hg19) VCF-style: chr16-89838088-T-C.
Other names: c.2149A>G (LRG_495t1); c.2149A>G, p.Met717Val (NM_001286167.3); short protein forms M717V.
Identifiers: ClinVar variation 526341 (VCV000526341.11), dbSNP rs766173155, ClinGen allele CA8251891.